The following is an entry in ClinVar:

NM_032447.5(FBN3):c.7102C>T (p.Arg2368Cys)

Gene: FBN3 (fibrillin 3; minus strand). Cytogenetic location: 19p13.2.
Variant type: single nucleotide variant.
Coding change: c.7102C>T on transcript NM_032447.5 (MANE Select); coding-DNA position 7102, C replaced by T.
Protein change: p.Arg2368Cys; replaces arginine 2368 with cysteine.
Molecular consequence: missense variant.
Genome position (GRCh38, 1-based): chr19:8,083,358, G>A on the plus strand (C>T on the coding strand, the complement: FBN3 is on the minus strand). VCF-style: chr19-8083358-G-A. GRCh37 (hg19) VCF-style: chr19-8148242-G-A.
Other names: c.7102C>T, p.Arg2368Cys (NM_001321431.2); short protein forms R2368C.
Identifiers: ClinVar variation 4748961 (VCV004748961.1).

ClinVar aggregate classification (germline): Uncertain significance (1 of 4 stars; one submission).

gnomAD v4.1: 50 of 1,613,872 alleles (0.0031%); highest among the groups gnomAD compares: South Asian, 0.044%; no homozygotes.

Submission:

Labcorp Genetics (formerly Invitae), Labcorp
Classification: Uncertain significance. Last evaluated: 2025-11-29. Review status: criteria provided, single submitter. Criteria: Invitae Variant Classification Sherloc (09022015). Collection method: clinical testing. Allele origin: germline.
Comment: This sequence change replaces arginine, which is basic and polar, with cysteine, which is neutral and slightly polar, at codon 2368 of the FBN3 protein (p.Arg2368Cys). This variant is present in population databases (rs752557467, gnomAD 0.04%). This variant has not been reported in the literature in individuals affected with FBN3-related conditions. Invitae Evidence Modeling of protein sequence and biophysical properties (such as structural, functional, and spatial information, amino acid conservation, physicochemical variation, residue mobility, and thermodynamic stability) indicates that this missense variant is not expected to disrupt FBN3 protein function with a negative predictive value of 80%. In summary, the available evidence is currently insufficient to determine the role of this variant in disease. Therefore, it has been classified as a Variant of Uncertain Significance.